The following is an entry in ClinVar:

ClinVar aggregate classification (germline): Pathogenic. Review status: criteria provided, single submitter (1 of 4 stars). 2 submissions from 2 submitters: Pathogenic (1). 1 of the submissions does not count toward it. Last evaluated 2024-05-21.

Conditions:
CCN6-related disorder. Also called: CCN6-related condition.

Submissions (2):

Labcorp Genetics (formerly Invitae), Labcorp
Classification: Pathogenic. Last evaluated: 2024-05-21. Review status: criteria provided, single submitter. Criteria: Invitae Variant Classification Sherloc (09022015). Collection method: clinical testing. Allele origin: germline.
Comment: This sequence change creates a premature translational stop signal (p.Lys207Asnfs*25) in the WISP3 gene. It is expected to result in an absent or disrupted protein product. Loss-of-function variants in WISP3 are known to be pathogenic (PMID: 22791401). Information on the frequency of this variant in the gnomAD database is not available, as this variant may be reported differently in the database. This variant has not been reported in the literature in individuals affected with WISP3-related conditions. ClinVar contains an entry for this variant (Variation ID: 1680470). For these reasons, this variant has been classified as Pathogenic.

PreventionGenetics, part of Exact Sciences
Classification: Pathogenic for CCN6-related condition. Last evaluated: 2024-06-20. Review status: no assertion criteria provided. Collection method: clinical testing. Allele origin: germline. Not counted in ClinVar's aggregate classification.
Comment: The CCN6 c.621_622delinsT variant is predicted to result in a frameshift and premature protein termination (p.Lys207Asnfs*25). This variant has been reported in the compound heterozygous state in two individuals with progressive pseudorheumatoid dysplasia (Garcia Segarra et al. 2012. PubMed ID: 22791401). This variant has not been reported in a large population database, indicating this variant is rare. Frameshift variants in CCN6 are expected to be pathogenic. This variant is interpreted as pathogenic.

Literature cited by the submitters: PubMed 22791401 (cited by Labcorp Genetics (formerly Invitae), Labcorp).

NM_198239.2(CCN6):c.621_622delinsT (p.Lys207fs)

Gene: CCN6 (cellular communication network factor 6; plus strand). Cytogenetic location: 6q21.
Variant type: Indel.
Coding change: c.621_622delinsT on transcript NM_198239.2 (MANE Select); coding-DNA positions 621 to 622, AA replaced by T.
Protein change: p.Lys207fs; shifts the reading frame from lysine 207.
Molecular consequence: frameshift variant. On other transcripts: non-coding transcript variant (2).
Genome position (GRCh38, 1-based): chr6:112,068,236-112,068,237, AA replaced by T. VCF-style: chr6-112068236-AA-T. GRCh37 (hg19) VCF-style: chr6-112389439-AA-T.
Other names: c.621_622delinsT, p.Lys207fs (NM_003880.4); short protein forms K207fs.
Identifiers: ClinVar variation 2636177 (VCV002636177.3), dbSNP rs2546928903, ClinGen allele CA2695198321.